The following is an entry in ClinVar:

NM_001371928.1(AHDC1):c.14C>T (p.Pro5Leu)

Gene: AHDC1 (AT-hook DNA binding motif containing 1; minus strand). Cytogenetic location: 1p36.11.
Variant type: single nucleotide variant.
Coding change: c.14C>T on transcript NM_001371928.1 (MANE Select); coding-DNA position 14, C replaced by T.
Protein change: p.Pro5Leu; replaces proline 5 with leucine.
Molecular consequence: missense variant.
Genome position (GRCh38, 1-based): chr1:27,552,102, G>A on the plus strand (C>T on the coding strand, the complement: AHDC1 is on the minus strand). VCF-style: chr1-27552102-G-A. GRCh37 (hg19) VCF-style: chr1-27878613-G-A.
Other names: c.14C>T, p.Pro5Leu (NM_001029882.3); short protein forms P5L.
Identifiers: ClinVar variation 4729634 (VCV004729634.1).
Genomic context (GRCh38, chr1:27,552,102, plus strand): 5'-GGTTCCCGGAGGTAGTCAGGAGAGCTGCACACGGCACTGGAAGTCACCACCAGGCCCTGG[G>A]GCTTCACACGCATCCTGACCTTGTCCTCCGCAGGCCGCCGGGCGGGGCCGGGGCTGACAT-3'
Protein context (NP_001358857.1, residues 1-15): MRVK[Pro5Leu]QGLVVTSSAV

ClinVar aggregate classification (germline): Uncertain significance (1 of 4 stars; one submission).

gnomAD v4.1: 1 of 1,465,764 alleles (0.000068%); highest among the groups gnomAD compares: Non-Finnish European, 0.00009%; no homozygotes.

Submission:

Labcorp Genetics (formerly Invitae), Labcorp
Classification: Uncertain significance. Last evaluated: 2025-10-21. Review status: criteria provided, single submitter. Criteria: Invitae Variant Classification Sherloc (09022015). Collection method: clinical testing. Allele origin: germline.
Comment: This sequence change replaces proline, which is neutral and non-polar, with leucine, which is neutral and non-polar, at codon 5 of the AHDC1 protein (p.Pro5Leu). This variant is not present in population databases (gnomAD no frequency). This variant has not been reported in the literature in individuals affected with AHDC1-related conditions. An algorithm developed to predict the effect of missense changes on protein structure and function (PolyPhen-2) suggests that this variant is likely to be disruptive. In summary, the available evidence is currently insufficient to determine the role of this variant in disease. Therefore, it has been classified as a Variant of Uncertain Significance.